The following is an entry in ClinVar:

ClinVar aggregate classification (germline): Uncertain significance (1 of 4 stars; one submission).

Conditions:
Familial melanoma. Also called: Hereditary melanoma; Hereditary cutaneous melanoma. Identifiers: Orphanet 618, MedGen C1512419, MONDO:0018961.

Submission:

Labcorp Genetics (formerly Invitae), Labcorp
Classification: Uncertain significance for Familial melanoma. Last evaluated: 2024-03-20. Review status: criteria provided, single submitter. Criteria: Invitae Variant Classification Sherloc (09022015). Collection method: clinical testing. Allele origin: germline.
Comment: This sequence change replaces arginine, which is basic and polar, with glycine, which is neutral and non-polar, at codon 101 of the CDK4 protein (p.Arg101Gly). This variant is not present in population databases (gnomAD no frequency). This variant has not been reported in the literature in individuals affected with CDK4-related conditions. An algorithm developed to predict the effect of missense changes on protein structure and function (PolyPhen-2) suggests that this variant is likely to be tolerated. In summary, the available evidence is currently insufficient to determine the role of this variant in disease. Therefore, it has been classified as a Variant of Uncertain Significance.

NM_000075.4(CDK4):c.301A>G (p.Arg101Gly)

Gene: CDK4 (cyclin dependent kinase 4; minus strand). Cytogenetic location: 12q14.1.
Variant type: single nucleotide variant.
Coding change: c.301A>G on transcript NM_000075.4 (MANE Select); coding-DNA position 301, A replaced by G.
Protein change: p.Arg101Gly; replaces arginine 101 with glycine.
Molecular consequence: missense variant.
Genome position (GRCh38, 1-based): chr12:57,751,260, T>C on the plus strand (A>G on the coding strand, the complement: CDK4 is on the minus strand). VCF-style: chr12-57751260-T-C. GRCh37 (hg19) VCF-style: chr12-58145043-T-C.
Other names: short protein forms R101G.
Identifiers: ClinVar variation 3646905 (VCV003646905.2).
Genomic context (GRCh38, chr12:57,751,260, plus strand): 5'-CACTCACCTTGATCGTTTCGGCTGGCAAGCCTGGTGGGGGTGCCTTGTCCAGATATGTCC[T>C]TAGGTCCTGGTCTACATGCTCAAACACCAGGGTTACCTTGATCTCCCGGTCAGTTCGGGA-3'
Protein context (NP_000066.1, residues 91-111): LVFEHVDQDL[Arg101Gly]TYLDKAPPPG